The following is an entry in ClinVar:

NM_206937.2(LIG4):c.1704T>C (p.Asp568=)

Gene: LIG4 (DNA ligase 4; minus strand). Cytogenetic location: 13q33.3.
Variant type: single nucleotide variant.
Coding change: c.1704T>C on transcript NM_206937.2 (MANE Select); coding-DNA position 1704, T replaced by C.
Protein change: p.Asp568=; no amino-acid change (aspartic acid 568 retained).
Molecular consequence: synonymous variant.
Genome position (GRCh38, 1-based): chr13:108,209,565, A>G on the plus strand (T>C on the coding strand, the complement: LIG4 is on the minus strand). VCF-style: chr13-108209565-A-G. GRCh37 (hg19) VCF-style: chr13-108861913-A-G.
Other names: p.Asp568=; c.1704T>C, p.Asp568= (NM_001098268.2, NM_001352598.2, NM_001352599.2 and 6 more transcripts); c.1503T>C, p.Asp501= (NM_001330595.2); c.1740T>C, p.Asp580= (NM_001352604.2).
Identifiers: ClinVar variation 129482 (VCV000129482.40), dbSNP rs1805386, ClinGen allele CA153528.

ClinVar aggregate classification (germline): Benign. Review status: criteria provided, multiple submitters, no conflicts (2 of 4 stars). 13 submissions from 12 submitters: Benign (12). 1 of the submissions does not count toward it. Last evaluated 2026-02-04.

Conditions:
DNA ligase IV deficiency. Identifiers: Orphanet 99812, MedGen C1847827, MONDO:0011686, OMIM 606593.
Severe combined immunodeficiency due to DCLRE1C deficiency (RS-SCID). Also called: SCID, AUTOSOMAL RECESSIVE, T CELL-NEGATIVE, B CELL-NEGATIVE, NK CELL-POSITIVE, WITH SENSITIVITY TO IONIZING RADIATION. Identifiers: Orphanet 275, MedGen C1865371, MONDO:0011225, OMIM 602450.

Allele frequency attached by ClinVar (database versions not stated): 1000 Genomes Project 0.06869; gnomAD 0.13864 and 0.13426; gnomAD exomes 0.15754 and 0.13356; ExAC 0.13443; 1000 Genomes Project 30x 0.06996; TOPMed 0.12542; ESP Exome Variant Server 0.14862.
gnomAD v4.1: 250,289 of 1,613,942 alleles (16%); highest among the groups gnomAD compares: Middle Eastern, 18%; 21,105 homozygotes.

Submissions (13):

Labcorp Genetics (formerly Invitae), Labcorp
Classification: Benign for DNA ligase IV deficiency. Last evaluated: 2026-02-04. Review status: criteria provided, single submitter. Criteria: Invitae Variant Classification Sherloc (09022015). Collection method: clinical testing. Allele origin: germline.

Women's Health and Genetics/Laboratory Corporation of America, LabCorp
Classification: Benign. Last evaluated: 2025-02-13. Review status: criteria provided, single submitter. Criteria: LabCorp Variant Classification Summary - May 2015. Collection method: clinical testing. Allele origin: germline.

Blueprint Genetics
Classification: Benign. Last evaluated: 2024-11-27. Review status: criteria provided, single submitter. Criteria: ACMG Guidelines, 2015. Collection method: clinical testing. Allele origin: germline.

ARUP Laboratories, Molecular Genetics and Genomics, ARUP Laboratories
Classification: Benign. Last evaluated: 2023-11-29. Review status: criteria provided, single submitter. Criteria: ARUP Molecular Germline Variant Investigation Process 2024. Collection method: clinical testing. Allele origin: germline.

KCCC/NGS Laboratory, Kuwait Cancer Control Center
Classification: Benign for DNA ligase IV deficiency. Last evaluated: 2023-07-07. Review status: criteria provided, single submitter. Criteria: ACMG Guidelines, 2015. Collection method: clinical testing. Allele origin: germline. Affected: yes.

Genome-Nilou Lab
Classification: Benign for DNA ligase IV deficiency. Last evaluated: 2021-08-19. Review status: criteria provided, single submitter. Criteria: ACMG Guidelines, 2015. Collection method: clinical testing. Allele origin: germline. Affected: no.

Mayo Clinic Laboratories, Mayo Clinic
Classification: Benign. Last evaluated: 2018-04-19. Review status: criteria provided, single submitter. Criteria: ACMG Guidelines, 2015. Collection method: clinical testing. Allele origin: germline. Observed: 316 variant alleles.

Illumina Laboratory Services, Illumina
Classification: Benign for DNA ligase IV deficiency. Last evaluated: 2018-01-13. Review status: criteria provided, single submitter. Criteria: ICSL Variant Classification Criteria 13 December 2019. Collection method: clinical testing. Allele origin: germline.
Comment: This variant was observed in the ICSL laboratory as part of a predisposition screen in an ostensibly healthy population. It had not been previously curated by ICSL or reported in the Human Gene Mutation Database (HGMD: prior to June 1st, 2018), and was therefore a candidate for classification through an automated scoring system. Utilizing variant allele frequency, disease prevalence and penetrance estimates, and inheritance mode, an automated score was calculated to assess if this variant is too frequent to cause the disease. Based on the score and internal cut-off values, a variant classified as benign is not then subjected to further curation. The score for this variant resulted in a classification of benign for this disease.

Illumina Laboratory Services, Illumina
Classification: Benign for Severe combined immunodeficiency due to DCLRE1C deficiency. Last evaluated: 2018-01-13. Review status: criteria provided, single submitter. Criteria: ICSL Variant Classification Criteria 13 December 2019. Collection method: clinical testing. Allele origin: germline.
Comment: the same text as in the submission from Illumina Laboratory Services, Illumina above.

Laboratory for Molecular Medicine, Mass General Brigham Personalized Medicine
Classification: Benign. Last evaluated: 2016-03-29. Review status: criteria provided, single submitter. Criteria: LMM Criteria. Collection method: clinical testing. Allele origin: germline.
Comment: Variant identified in a genome or exome case(s) and assessed due to predicted null impact of the variant or pathogenic assertions in the literature or databases. Disclaimer: This variant has not undergone full assessment. The following are preliminary notes: Frequency

GeneDx
Classification: Benign. Last evaluated: 2015-03-03. Review status: criteria provided, single submitter. Criteria: GeneDx Variant Classification Process June 2021. Collection method: clinical testing. Allele origin: germline. Affected: yes.

Breakthrough Genomics
Classification: Benign. Review status: criteria provided, single submitter. Criteria: ACMG Guidelines, 2015. Collection method: not provided. Allele origin: germline. Inheritance: Autosomal recessive inheritance. Affected: yes.

Genetic Services Laboratory, University of Chicago
Classification: Likely benign for AllHighlyPenetrant. Review status: no assertion criteria provided. Collection method: clinical testing. Allele origin: germline. Inheritance: Autosomal recessive inheritance. Not counted in ClinVar's aggregate classification.
Comment: Likely benign based on allele frequency in 1000 Genomes Project or ESP global frequency and its presence in a patient with a rare or unrelated disease phenotype. NOT Sanger confirmed.